The following is an entry in ClinVar:

ClinVar aggregate classification (germline): Pathogenic (1 of 4 stars; one submission).

Conditions:
Propionic acidemia (PROP). Also called: GLYCINEMIA, KETOTIC; HYPERGLYCINEMIA WITH KETOACIDOSIS AND LEUKOPENIA; KETOTIC HYPERGLYCINEMIA. Identifiers: Orphanet 35, MedGen C0268579, MONDO:0011628, OMIM 606054, HP:0003571.

gnomAD v4.1: 2 of 1,612,244 alleles (0.00012%); highest among the groups gnomAD compares: East Asian, 0.0022%; no homozygotes.

Submission:

Labcorp Genetics (formerly Invitae), Labcorp
Classification: Pathogenic for Propionic acidemia. Last evaluated: 2024-02-01. Review status: criteria provided, single submitter. Criteria: Invitae Variant Classification Sherloc (09022015). Collection method: clinical testing. Allele origin: germline.
Comment: This sequence change creates a premature translational stop signal (p.Gln58*) in the PCCB gene. It is expected to result in an absent or disrupted protein product. Loss-of-function variants in PCCB are known to be pathogenic (PMID: 15464417). This variant is present in population databases (no rsID available, gnomAD 0.003%). This variant has not been reported in the literature in individuals affected with PCCB-related conditions. Algorithms developed to predict the effect of sequence changes on RNA splicing suggest that this variant may disrupt the consensus splice site. For these reasons, this variant has been classified as Pathogenic.

Literature cited by the submitters: PubMed 15464417.

NM_000532.5(PCCB):c.172C>T (p.Gln58Ter)

Gene: PCCB (propionyl-CoA carboxylase subunit beta; plus strand). Cytogenetic location: 3q22.3.
Variant type: single nucleotide variant.
Coding change: c.172C>T on transcript NM_000532.5 (MANE Select); coding-DNA position 172, C replaced by T.
Protein change: p.Gln58Ter; replaces glutamine 58 with a stop codon.
Molecular consequence: nonsense.
Genome position (GRCh38, 1-based): chr3:136,250,547, C>T. VCF-style: chr3-136250547-C-T. GRCh37 (hg19) VCF-style: chr3-135969389-C-T.
Other names: c.172C>T, p.Gln58Ter (NM_001178014.2); short protein forms Q58*.
Identifiers: ClinVar variation 3688436 (VCV003688436.2).